The following is an entry in ClinVar:

NM_001330723.2(SNX27):c.271G>T (p.Asp91Tyr)

Gene: SNX27 (sorting nexin 27; plus strand). Cytogenetic location: 1q21.3.
Variant type: single nucleotide variant.
Coding change: c.271G>T on transcript NM_001330723.2 (MANE Select); coding-DNA position 271, G replaced by T.
Protein change: p.Asp91Tyr; replaces aspartic acid 91 with tyrosine.
Molecular consequence: missense variant.
Genome position (GRCh38, 1-based): chr1:151,612,472, G>T. VCF-style: chr1-151612472-G-T. GRCh37 (hg19) VCF-style: chr1-151584948-G-T.
Other names: c.271G>T, p.Asp91Tyr (NM_030918.6); short protein forms D91Y.
Identifiers: ClinVar variation 1365797 (VCV001365797.3), dbSNP rs747022780, ClinGen allele CA341974622.
Genomic context (GRCh38, chr1:151,612,472, plus strand): 5'-AACGGGGAGCTGTACGCGCCGCTGCAGCATGTGAGCGCCGTGCTGCCCGGGGGGGCGGCC[G>T]ATCGGGCCGGGGTGCGCAAGGGGGACCGCATCCTGGAGGTGTGAGTATCGGGGCTACCCG-3'
Protein context (NP_001317652.1, residues 81-101): VSAVLPGGAA[Asp91Tyr]RAGVRKGDRI

ClinVar aggregate classification (germline): Uncertain significance (1 of 4 stars; one submission).

Conditions:
Severe myoclonic epilepsy in infancy (DRVT). Also called: Epileptic encephalopathy, early infantile, 6 (Dravet syndrome); Dravet syndrome; Severe Myoclonic Epilepsy in Infancy (SMEI); SEVERE MYOCLONIC EPILEPSY OF INFANCY; DEVELOPMENTAL AND EPILEPTIC ENCEPHALOPATHY 6A. Identifiers: Orphanet 33069, MedGen C0751122, MONDO:0100135, OMIM 607208.

Allele frequency attached by ClinVar (database versions not stated): TOPMed below 0.00001; gnomAD 0.00001.
gnomAD v4.1: 2 of 1,418,660 alleles (0.00014%); highest among the groups gnomAD compares: African/African-American, 0.0015%; no homozygotes.

Submission:

Labcorp Genetics (formerly Invitae), Labcorp
Classification: Uncertain significance for Severe myoclonic epilepsy in infancy. Last evaluated: 2022-03-10. Review status: criteria provided, single submitter. Criteria: Invitae Variant Classification Sherloc (09022015). Collection method: clinical testing. Allele origin: germline.
Comment: This sequence change replaces aspartic acid, which is acidic and polar, with tyrosine, which is neutral and polar, at codon 91 of the SNX27 protein (p.Asp91Tyr). This variant is not present in population databases (gnomAD no frequency). This variant has not been reported in the literature in individuals affected with SNX27-related conditions. Algorithms developed to predict the effect of missense changes on protein structure and function are either unavailable or do not agree on the potential impact of this missense change (SIFT: "Deleterious"; PolyPhen-2: "Probably Damaging"; Align-GVGD: "Class C0"). In summary, the available evidence is currently insufficient to determine the role of this variant in disease. Therefore, it has been classified as a Variant of Uncertain Significance.